The following is an entry in ClinVar:

ClinVar aggregate classification (germline): Uncertain significance. Review status: criteria provided, multiple submitters, no conflicts (2 of 4 stars). 2 submissions from 2 submitters: Uncertain significance (2). Last evaluated 2024-03-06.

Conditions:
Cardiomyopathy (CMYO). Also called: Cardiomyopathies. Identifiers: Orphanet 167848, MedGen C0878544, MONDO:0004994, HP:0001638. Inheritance: Various modes of inheritance.
Catecholaminergic polymorphic ventricular tachycardia (CVPT). Also called: Catecholamine-induced polymorphic ventricular tachycardia. Identifiers: Orphanet 3286, MedGen C5574922, MONDO:0017990.

gnomAD v4.1: 2 of 1,613,984 alleles (0.00012%); highest among the groups gnomAD compares: Non-Finnish European, 0.00017%; no homozygotes.

Submissions (2):

Color Diagnostics, LLC DBA Color Health
Classification: Uncertain significance for Cardiomyopathy. Last evaluated: 2024-03-06. Review status: criteria provided, single submitter. Criteria: ACMG Guidelines, 2015. Collection method: clinical testing. Allele origin: germline.
Comment: This missense variant replaces arginine with leucine at codon 1133 of the RYR2 protein. Computational prediction suggests that this variant may not impact protein structure and function (internally defined REVEL score threshold <= 0.5, PMID: 27666373). To our knowledge, functional studies have not been reported for this variant. This variant has not been reported in individuals affected with cardiovascular disorders in the literature. This variant has not been identified in the general population by the Genome Aggregation Database (gnomAD). The available evidence is insufficient to determine the role of this variant in disease conclusively. Therefore, this variant is classified as a Variant of Uncertain Significance.

All of Us Research Program, National Institutes of Health
Classification: Uncertain significance for Catecholaminergic polymorphic ventricular tachycardia. Last evaluated: 2023-11-30. Review status: criteria provided, single submitter. Criteria: ACMG Guidelines, 2015. Collection method: clinical testing. Allele origin: germline. Inheritance: Autosomal dominant inheritance. Observed: 1 variant allele, 1 heterozygote.
Comment: This missense variant replaces arginine with leucine at codon 1133 of the RYR2 protein. Computational prediction suggests that this variant may not impact protein structure and function (internally defined REVEL score threshold <= 0.5, PMID: 27666373). To our knowledge, functional studies have not been reported for this variant. This variant has not been reported in individuals affected with cardiovascular disorders in the literature. This variant has not been identified in the general population by the Genome Aggregation Database (gnomAD). The available evidence is insufficient to determine the role of this variant in disease conclusively. Therefore, this variant is classified as a Variant of Uncertain Significance.

This study involves interpretation of variants in research participants for the purpose of population health screening. Participant phenotype was not available at the time of variant classification. Additional details can be found in publication PMID: 35346344, PMCID: PMC8962531

NM_001035.3(RYR2):c.3398G>T (p.Arg1133Leu)

Gene: RYR2 (ryanodine receptor 2; plus strand). Cytogenetic location: 1q43.
Variant type: single nucleotide variant.
Coding change: c.3398G>T on transcript NM_001035.3 (MANE Select); coding-DNA position 3398, G replaced by T.
Protein change: p.Arg1133Leu; replaces arginine 1133 with leucine.
Molecular consequence: missense variant.
Genome position (GRCh38, 1-based): chr1:237,566,750, G>T. VCF-style: chr1-237566750-G-T. GRCh37 (hg19) VCF-style: chr1-237730050-G-T.
Other names: short protein forms R1133L.
Identifiers: ClinVar variation 1172280 (VCV001172280.4), dbSNP rs374397612, ClinGen allele CA345398853.